The following is an entry in ClinVar:

ClinVar aggregate classification (germline): Pathogenic/Likely pathogenic. Review status: criteria provided, multiple submitters, no conflicts (2 of 4 stars). 10 submissions from 10 submitters: Pathogenic (1); Likely pathogenic (8). 1 of the submissions does not count toward it. Last evaluated 2026-01-12.

Conditions:
Cardiac arrhythmia. Also called: Arrhythmia; Cardiac rhythm disease. Identifiers: MedGen C0003811, MONDO:0007263, HP:0011675.
KCNH2-related disorder. Also called: KCNH2-related disorders; KCNH2-related condition.
Cardiovascular phenotype. Identifiers: MedGen CN230736.
Familial long QT syndrome (RWS). Also called: Congenital long QT syndrome; Romano-Ward syndrome; VENTRICULAR FIBRILLATION WITH PROLONGED QT INTERVAL. Identifiers: Orphanet 768, MedGen C1141890, MONDO:0019171.
Long QT syndrome (LQTS). Identifiers: MedGen C0023976, MeSH D008133, MONDO:0002442. Disease mechanism: loss of function. Inheritance: Various modes of inheritance.
Long QT syndrome 2 (LQT2). Identifiers: Orphanet 101016, Orphanet 768, MedGen C3150943, MONDO:0013367, OMIM 613688.

Allele frequency attached by ClinVar (database versions not stated): gnomAD exomes 0.00001; gnomAD 0.00001; TOPMed 0.00001.
gnomAD v4.1: 10 of 1,612,548 alleles (0.00062%); highest among the groups gnomAD compares: African/African-American, 0.0013%; no homozygotes.

Submissions (10):

GeneDx
Classification: Likely pathogenic. Last evaluated: 2026-01-12. Review status: criteria provided, single submitter. Criteria: GeneDx Variant Classification Process June 2021. Collection method: clinical testing. Allele origin: germline. Affected: yes.
Comment: Not observed at significant frequency in large population cohorts (gnomAD); Although functional studies did not identify a trafficking defect when p.(S660L) mutant channel was co-expressed with wild type channel in HEK293 cells, the biophysical properties of the mutant channels were not investigated (PMID: 25417810); In silico analysis supports that this missense variant has a deleterious effect on protein structure/function; This variant is associated with the following publications: (PMID: 19862833, 23158531, 21737021, 16414944, 19716085, 28488422, 31737537, 36339618, 36861347, 25417810, 39020067)

Labcorp Genetics (formerly Invitae), Labcorp
Classification: Likely pathogenic for Long QT syndrome. Last evaluated: 2025-12-15. Review status: criteria provided, single submitter. Criteria: Invitae Variant Classification Sherloc (09022015). Collection method: clinical testing. Allele origin: germline.
Comment: This sequence change replaces serine, which is neutral and polar, with leucine, which is neutral and non-polar, at codon 660 of the KCNH2 protein (p.Ser660Leu). This variant is not present in population databases (gnomAD no frequency). This missense change has been observed in individuals with clinical features of long QT syndrome (PMID: 16414944, 19716085, 31737537; internal data). ClinVar contains an entry for this variant (Variation ID: 67352). An algorithm developed to predict the effect of missense changes on protein structure and function (PolyPhen-2) suggests that this variant is likely to be disruptive. Experimental studies have shown that this missense change does not substantially affect KCNH2 function (PMID: 25417810). In summary, the currently available evidence indicates that the variant is pathogenic, but additional data are needed to prove that conclusively. Therefore, this variant has been classified as Likely Pathogenic.

Women's Health and Genetics/Laboratory Corporation of America, LabCorp
Classification: Likely pathogenic for Long QT syndrome. Last evaluated: 2025-12-08. Review status: criteria provided, single submitter. Criteria: LabCorp Variant Classification Summary - May 2015. Collection method: clinical testing. Allele origin: germline.
Comment: Variant summary: KCNH2 c.1979C>T (p.Ser660Leu) results in a non-conservative amino acid change in the encoded protein sequence. Algorithms developed to predict the effect of missense changes on protein structure and function all suggest that this variant is likely to be disruptive. The frequency data for this variant in gnomAD is considered unreliable, as metrics indicate poor data quality at this position. c.1979C>T has been observed in individuals affected with Long QT Syndrome (e.g. Napolitano_2005, Kapplinger_2009). These data indicate that the variant is likely to be associated with disease. At least one publication reports experimental evidence evaluating an impact on protein function, however, does not allow convincing conclusions about the variant effect (Anderson_2014). The following publications have been ascertained in the context of this evaluation (PMID: 16414944, 19716085). ClinVar contains an entry for this variant (Variation ID: 67352). Based on the evidence outlined above, the variant was classified as likely pathogenic.

Color Diagnostics, LLC DBA Color Health
Classification: Likely pathogenic for Cardiac arrhythmia. Last evaluated: 2025-07-08. Review status: criteria provided, single submitter. Criteria: ACMG Guidelines, 2015. Collection method: clinical testing. Allele origin: germline.
Comment: This missense variant replaces serine with leucine at codon 660 of C-terminal cytoplasmic domain of the KCNH2 protein. This variant is found within a highly conserved C-terminal cytoplasmic region (a.a. 660-741). Rare non-truncating variants in this region have been shown to be significantly overrepresented in individuals with long QT syndrome (PMID: 32893267). Computational prediction suggests that this variant may have a deleterious impact on protein structure and function. A functional study has shown that this variant has no significant impact on the trafficking of KCNH2 protein in transfected HEK293 cells (PMID: 25417810). This variant has been observed in over ten individuals affected with or suspected of having long QT syndrome (PMID: 16414944, 19716085, 23158531, 28488422, 31737537, 32893267ClinVar SCV000737497.4, SCV000543477.8, SCV001653075.1). This variant has been reported to occur de novo in an affected individual and has been shown to segregate with disease in two families (ClinVar SCV000737497.4). This variant has not been identified in the general population by the Genome Aggregation Database (gnomAD). Based on the available evidence, this variant is classified as Likely Pathogenic.

Blueprint Genetics
Classification: Likely pathogenic for KCNH2-related disorders. Last evaluated: 2024-11-11. Review status: criteria provided, single submitter. Criteria: ACMG Guidelines, 2015. Collection method: clinical testing. Allele origin: germline. Affected: yes. Observed: 3 variant alleles.

All of Us Research Program, National Institutes of Health
Classification: Likely pathogenic for Long QT syndrome. Last evaluated: 2024-09-23. Review status: criteria provided, single submitter. Criteria: ACMG Guidelines, 2015. Collection method: clinical testing. Allele origin: germline. Inheritance: Autosomal dominant inheritance. Observed: 6 variant alleles, 6 heterozygotes.
Comment: This missense variant replaces serine with leucine at codon 660 of C-terminal cytoplasmic domain of the KCNH2 protein. This variant is found within a highly conserved C-terminal cytoplasmic region (a.a. 660-741). Rare non-truncating variants in this region have been shown to be significantly overrepresented in individuals with long QT syndrome (PMID: 32893267). Computational prediction suggests that this variant may have deleterious impact on protein structure and function. A functional study has shown that this variant has no significant impact on the trafficking of KCNH2 protein in transfected HEK293 cells (PMID: 25417810). This variant has been observed in over ten individuals affected with or suspected of having long QT syndrome (PMID: 16414944, 19716085, 23158531, 28488422, 31737537, 32893267; ClinVar SCV000737497.4, SCV000543477.8, SCV001653075.1). This variant has been reported to be a de novo occurrence in an affected individual and has been shown to segregate with disease in two families (ClinVar SCV000737497.4). This variant has not been identified in the general population by the Genome Aggregation Database (gnomAD). Based on the available evidence, this variant is classified as Likely Pathogenic.

This study involves interpretation of variants in research participants for the purpose of population health screening. Participant phenotype was not available at the time of variant classification. Additional details can be found in publication PMID: 35346344, PMCID: PMC8962531

Ambry Genetics
Classification: Pathogenic for Cardiovascular phenotype. Last evaluated: 2023-06-01. Review status: criteria provided, single submitter. Criteria: Ambry Variant Classification Scheme 2023. Collection method: clinical testing. Allele origin: germline.
Comment: The p.S660L pathogenic mutation (also known as c.1979C>T), located in coding exon 8 of the KCNH2 gene, results from a C to T substitution at nucleotide position 1979. The serine at codon 660 is replaced by leucine, an amino acid with dissimilar properties. This mutation was reported in several individuals with long QT syndrome (LQTS) (Napolitano C et al. JAMA. 2005;294(23):2975-80). Additionally, this mutation was described as likely de novo in a sporadic case of LQTS and observed to segregate with disease in multiple individuals in two other families (Napolitano C, personal communication). This variant is considered to be rare based on population cohorts in the Genome Aggregation Database (gnomAD). This amino acid position is highly conserved in available vertebrate species. In addition, this alteration is predicted to be deleterious by in silico analysis. Based on the supporting evidence, this alteration is interpreted as a disease-causing mutation.

Laboratory for Molecular Medicine, Mass General Brigham Personalized Medicine
Classification: Likely pathogenic for Familial long QT syndrome. Last evaluated: 2022-11-09. Review status: criteria provided, single submitter. Criteria: ACMG Guidelines, 2015. Collection method: clinical testing. Allele origin: germline. Inheritance: Autosomal dominant inheritance.
Comment: The p.Ser660Leu variant in KCNH2 has been previously reported in at least 6 individuals with Long QT syndrome (LQTS) and in 5 individuals referred for LQTS genetic testing (Crotti 2012 PMID: 23158531, Kapplinger 2009 PMID: 19716085, Napolitano 2005 PMID: 16414944, Nunn 2011 PMID: 21737021, Marschall 2019 PMID: 31737537, GeneDx pers. comm.). It has also been reported by other clinical laboratories in ClinVar (Variation ID 67352), including one submission that states the variant was found to be de novo in an individual with LQTS, and that the variant segregated in five affected relatives across 2 families (SCV000234136.9). This variant is absent from large population studies. An in vitro functional study did not find that this variant was associated with abnormal trafficking compared to wild-type (Anderson 2014 PMID 25417810); however, it is unclear how the variant affects the biophysical properties of the channel. Computational prediction tools and conservation analyses are consistent with pathogenicity. In summary, although additional studies are required to fully establish its clinical significance, this variant meets criteria to be classified as likely pathogenic for autosomal dominant LQTS. ACMG/AMP criteria applied: PM6, PP1_Moderate, PP3, PS4_Moderate, PM2_Supporting.

HudsonAlpha Institute for Biotechnology
Classification: Likely pathogenic for Long QT syndrome 2. Last evaluated: 2019-06-08. Review status: criteria provided, single submitter. Criteria: ACMG Guidelines, 2015. Collection method: research. Allele origin: unknown. Observed: 2 variant alleles. Study: AGHI_GT.

Cardiovascular Biomedical Research Unit, Royal Brompton & Harefield NHS Foundation Trust
No classification provided. Condition: Familial long QT syndrome. Review status: no classification provided. Collection method: literature only. Allele origin: germline. Not counted in ClinVar's aggregate classification.
Comment: This variant has been reported as associated with Long QT syndrome in the following publications (PMID:16414944;PMID:19716085). This is a literature report, and does not necessarily reflect the clinical interpretation of the Imperial College / Royal Brompton Cardiovascular Genetics laboratory.

Literature cited by the submitters: PubMed 16414944 (cited by 7 submitters); PubMed 19716085 (cited by 7 submitters); PubMed 31737537 (cited by 3 submitters); PubMed 25417810 (cited by 5 submitters); PubMed 23158531 (cited by 4 submitters); PubMed 28488422 (cited by Color Diagnostics, LLC DBA Color Health and All of Us Research Program, National Institutes of Health); PubMed 32893267 (cited by Color Diagnostics, LLC DBA Color Health and All of Us Research Program, National Institutes of Health); PubMed 21737021 (cited by Ambry Genetics and Laboratory for Molecular Medicine, Mass General Brigham Personalized Medicine); PubMed 22581653 (cited by Cardiovascular Biomedical Research Unit, Royal Brompton & Harefield NHS Foundation Trust).

NM_000238.4(KCNH2):c.1979C>T (p.Ser660Leu)

Gene: KCNH2 (potassium voltage-gated channel subfamily H member 2; minus strand). Cytogenetic location: 7q36.1.
Variant type: single nucleotide variant.
Coding change: c.1979C>T on transcript NM_000238.4 (MANE Select); coding-DNA position 1979, C replaced by T.
Protein change: p.Ser660Leu; replaces serine 660 with leucine.
Molecular consequence: missense variant.
Genome position (GRCh38, 1-based): chr7:150,951,087, G>A on the plus strand (C>T on the coding strand, the complement: KCNH2 is on the minus strand). VCF-style: chr7-150951087-G-A. GRCh37 (hg19) VCF-style: chr7-150648175-G-A.
Other names: p.S660L:TCG>TTG; c.1979C>T (LRG_288t1); c.959C>T, p.Ser320Leu (NM_001204798.2, NM_172057.3); c.1691C>T, p.Ser564Leu (NM_001406753.1, NM_001406756.1); c.1802C>T, p.Ser601Leu (NM_001406755.1); c.1679C>T, p.Ser560Leu (NM_001406757.1); c.1979C>T, p.Ser660Leu (NM_172056.3); short protein forms S320L, S660L, S564L, S601L, S560L.
Identifiers: ClinVar variation 67352 (VCV000067352.33), dbSNP rs199472979, ClinGen allele CA006139.